The following is an entry in ClinVar:

NM_018489.3(ASH1L):c.8274C>T (p.Asp2758=)

Gene: ASH1L (ASH1 like histone lysine methyltransferase; minus strand). Cytogenetic location: 1q22.
Variant type: single nucleotide variant.
Coding change: c.8274C>T on transcript NM_018489.3 (MANE Select); coding-DNA position 8274, C replaced by T.
Protein change: p.Asp2758=; no amino-acid change (aspartic acid 2758 retained).
Molecular consequence: synonymous variant.
Genome position (GRCh38, 1-based): chr1:155,343,333, G>A on the plus strand (C>T on the coding strand, the complement: ASH1L is on the minus strand). VCF-style: chr1-155343333-G-A. GRCh37 (hg19) VCF-style: chr1-155313124-G-A.
Other names: c.8289C>T, p.Asp2763= (NM_001366177.2).
Identifiers: ClinVar variation 4874810 (VCV004874810.2).
Genomic context (GRCh38, chr1:155,343,333, plus strand): 5'-ACTTGGCCGAGGTCATTTTTTAACTAGCCCAGATCACTTACCTTTACAATACGTATAAAG[G>A]TCCAACACACAGCAGGTCCCCACTACAGCCTCCAAGGGAATGATCTCATAGAGTGGCACC-3'
Protein context (NP_060959.2, residues 2748-2768): EAVVGTCCVL[Asp2758=]LYTYCKGRPK

ClinVar aggregate classification (germline): Likely benign (1 of 4 stars; one submission).

gnomAD v4.1: 6 of 1,613,724 alleles (0.00037%); highest among the groups gnomAD compares: Admixed American, 0.0067%; no homozygotes.

Submission:

CeGaT Center for Human Genetics Tuebingen
Classification: Likely benign. Last evaluated: 2026-04-01. Review status: criteria provided, single submitter. Criteria: CeGaT Center For Human Genetics Tuebingen Variant Classification Criteria Version 2. Collection method: clinical testing. Allele origin: germline. Affected: yes. Observed: 1 variant allele.
Comment: ASH1L: BP4, BP7